The following is an entry in ClinVar:

NM_021620.4(PRDM13):c.1441C>T (p.Pro481Ser)

Gene: PRDM13 (PR/SET domain 13; plus strand). Cytogenetic location: 6q16.2.
Variant type: single nucleotide variant.
Coding change: c.1441C>T on transcript NM_021620.4 (MANE Select); coding-DNA position 1441, C replaced by T.
Protein change: p.Pro481Ser; replaces proline 481 with serine.
Molecular consequence: missense variant.
Genome position (GRCh38, 1-based): chr6:99,614,076, C>T. VCF-style: chr6-99614076-C-T. GRCh37 (hg19) VCF-style: chr6-100061952-C-T.
Other names: short protein forms P481S.
Identifiers: ClinVar variation 4712193 (VCV004712193.1).

ClinVar aggregate classification (germline): Uncertain significance (1 of 4 stars; one submission).

Submission:

Labcorp Genetics (formerly Invitae), Labcorp
Classification: Uncertain significance. Last evaluated: 2025-02-03. Review status: criteria provided, single submitter. Criteria: Invitae Variant Classification Sherloc (09022015). Collection method: clinical testing. Allele origin: germline.
Comment: This sequence change replaces proline, which is neutral and non-polar, with serine, which is neutral and polar, at codon 481 of the PRDM13 protein (p.Pro481Ser). This variant is not present in population databases (gnomAD no frequency). This variant has not been reported in the literature in individuals affected with PRDM13-related conditions. An algorithm developed to predict the effect of missense changes on protein structure and function (PolyPhen-2) suggests that this variant is likely to be disruptive. In summary, the available evidence is currently insufficient to determine the role of this variant in disease. Therefore, it has been classified as a Variant of Uncertain Significance.